The following is an entry in ClinVar:

NM_000092.5(COL4A4):c.-15T>C

Gene: COL4A4 (collagen type IV alpha 4 chain; minus strand). Cytogenetic location: 2q36.3.
Variant type: single nucleotide variant.
Coding change: c.-15T>C on transcript NM_000092.5 (MANE Select); 15 bases upstream of the start codon, T replaced by C.
Molecular consequence: 5 prime UTR variant.
Genome position (GRCh38, 1-based): chr2:227,147,498, A>G on the plus strand (T>C on the coding strand, the complement: COL4A4 is on the minus strand). VCF-style: chr2-227147498-A-G. GRCh37 (hg19) VCF-style: chr2-228012214-A-G.
Identifiers: ClinVar variation 515526 (VCV000515526.7), dbSNP rs17353916, ClinGen allele CA2145877.
Genomic context (GRCh38, chr2:227,147,498, plus strand): 5'-TCAATCTGAAGGAGCACCTCATTAGTACTATGTGCAGAGACCACATCGCAGGCAAGTCTT[A>G]GTACTTAAAAAATATTCTGCCAGTCTTCTCTTCCAGAAGGTTCTTGTTGACAAGTGAGGT-3'

ClinVar aggregate classification (germline): Benign/Likely benign. Review status: criteria provided, multiple submitters, no conflicts (2 of 4 stars). 4 submissions from 4 submitters: Benign (2); Likely benign (2). Last evaluated 2024-11-19.

Conditions:
Alport syndrome. Also called: Hemorrhagic familial nephritis; Hemorrhagic hereditary nephritis; Congenital hereditary hematuria. Identifiers: Orphanet 63, MedGen C1567741, MONDO:0018965.

Allele frequency attached by ClinVar (database versions not stated): 1000 Genomes Project 0.00200; 1000 Genomes Project 30x 0.00234; gnomAD 0.00433 and 0.00443; gnomAD exomes 0.00453; TOPMed 0.00459; ExAC 0.00482; ESP Exome Variant Server 0.00658.
gnomAD v4.1: 11,897 of 1,611,456 alleles (0.74%); highest among the groups gnomAD compares: Non-Finnish European, 0.94%; 66 homozygotes.

Submissions (4):

Blueprint Genetics
Classification: Benign. Last evaluated: 2024-11-19. Review status: criteria provided, single submitter. Criteria: ACMG Guidelines, 2015. Collection method: clinical testing. Allele origin: germline.

GeneDx
Classification: Likely benign. Last evaluated: 2018-02-23. Review status: criteria provided, single submitter. Criteria: GeneDx Variant Classification (06012015). Collection method: clinical testing. Allele origin: germline. Affected: yes.
Comment: This variant is considered likely benign or benign based on one or more of the following criteria: it is a conservative change, it occurs at a poorly conserved position in the protein, it is predicted to be benign by multiple in silico algorithms, and/or has population frequency not consistent with disease.

Illumina Laboratory Services, Illumina
Classification: Benign for Alport syndrome. Last evaluated: 2017-04-27. Review status: criteria provided, single submitter. Criteria: ICSL Variant Classification Criteria 13 December 2019. Collection method: clinical testing. Allele origin: germline.
Comment: This variant was observed as part of a predisposition screen in an ostensibly healthy population. A literature search was performed for the gene, cDNA change, and amino acid change (where applicable). Publications were found based on this search. The evidence from the literature, in combination with allele frequency data from public databases where available, was sufficient to rule this variant out of causing disease. Therefore, this variant is classified as benign.

Breakthrough Genomics
Classification: Likely benign. Review status: criteria provided, single submitter. Criteria: ACMG Guidelines, 2015. Collection method: not provided. Allele origin: germline. Inheritance: Autosomal recessive inheritance. Affected: yes.

Literature cited by the submitters: PubMed 25514610 (cited by Illumina Laboratory Services, Illumina).